The following is an entry in ClinVar:

NM_032802.4(SPPL2A):c.758G>T (p.Cys253Phe)

Gene: SPPL2A (signal peptide peptidase like 2A; minus strand). Cytogenetic location: 15q21.2.
Variant type: single nucleotide variant.
Coding change: c.758G>T on transcript NM_032802.4 (MANE Select); coding-DNA position 758, G replaced by T.
Protein change: p.Cys253Phe; replaces cysteine 253 with phenylalanine.
Molecular consequence: missense variant.
Genome position (GRCh38, 1-based): chr15:50,736,716, C>A on the plus strand (G>T on the coding strand, the complement: SPPL2A is on the minus strand). VCF-style: chr15-50736716-C-A. GRCh37 (hg19) VCF-style: chr15-51028913-C-A.
Other names: short protein forms C253F.
Identifiers: ClinVar variation 2078787 (VCV002078787.4), dbSNP rs2542824744, ClinGen allele CA392412099.

ClinVar aggregate classification (germline): Uncertain significance (1 of 4 stars; one submission).

Submission:

Labcorp Genetics (formerly Invitae), Labcorp
Classification: Uncertain significance. Last evaluated: 2024-10-21. Review status: criteria provided, single submitter. Criteria: Invitae Variant Classification Sherloc (09022015). Collection method: clinical testing. Allele origin: germline.
Comment: This sequence change replaces cysteine, which is neutral and slightly polar, with phenylalanine, which is neutral and non-polar, at codon 253 of the SPPL2A protein (p.Cys253Phe). This variant is not present in population databases (gnomAD no frequency). This variant has not been reported in the literature in individuals affected with SPPL2A-related conditions. ClinVar contains an entry for this variant (Variation ID: 2078787). An algorithm developed to predict the effect of missense changes on protein structure and function (PolyPhen-2) suggests that this variant is likely to be disruptive. In summary, the available evidence is currently insufficient to determine the role of this variant in disease. Therefore, it has been classified as a Variant of Uncertain Significance.